The following is an entry in ClinVar:

NM_000528.4(MAN2B1):c.1795A>T (p.Arg599Ter)

Gene: MAN2B1 (mannosidase alpha class 2B member 1; minus strand). Cytogenetic location: 19p13.13.
Variant type: single nucleotide variant.
Coding change: c.1795A>T on transcript NM_000528.4 (MANE Select); coding-DNA position 1795, A replaced by T.
Protein change: p.Arg599Ter; replaces arginine 599 with a stop codon.
Molecular consequence: nonsense.
Genome position (GRCh38, 1-based): chr19:12,655,729, T>A on the plus strand (A>T on the coding strand, the complement: MAN2B1 is on the minus strand). VCF-style: chr19-12655729-T-A. GRCh37 (hg19) VCF-style: chr19-12766543-T-A.
Other names: c.1792A>T, p.Arg598Ter (NM_001173498.2); short protein forms R598*, R599*.
Identifiers: ClinVar variation 1726922 (VCV001726922.2), dbSNP rs2512497496, ClinGen allele CA404244753.

ClinVar aggregate classification (germline): Likely pathogenic (1 of 4 stars; one submission).

Conditions:
Deficiency of alpha-mannosidase (MANSA). Also called: Mannosidosis, alpha-, types I and II; LYSOSOMAL ALPHA-D-MANNOSIDASE DEFICIENCY; Alpha-Mannosidosis. Identifiers: Orphanet 61, MedGen C0024748, MONDO:0009561, OMIM 248500.

Submission:

Myriad Genetics, Inc.
Classification: Likely pathogenic for Deficiency of alpha-mannosidase. Last evaluated: 2022-01-02. Review status: criteria provided, single submitter. Criteria: Myriad Women's Health Autosomal Recessive and X-Linked Classification Criteria (2021). Collection method: clinical testing. Allele origin: unknown.
Comment: NM_000528.3(MAN2B1):c.1795A>T(R599*) is expected to be pathogenic in the context of alpha-mannosidosis. This variant is predicted to lead to an abnormal or absent protein product due to the creation of a premature termination codon in MAN2B1, a gene where loss-of-function variants are known to be pathogenic. Please note: this variant was assessed in the context of healthy population screening.